The following is an entry in ClinVar:

NM_001128840.3(CACNA1D):c.5755C>T (p.Arg1919Trp)

Gene: CACNA1D (calcium voltage-gated channel subunit alpha1 D; plus strand). Cytogenetic location: 3p21.1.
Variant type: single nucleotide variant.
Coding change: c.5755C>T on transcript NM_001128840.3 (MANE Select); coding-DNA position 5755, C replaced by T.
Protein change: p.Arg1919Trp; replaces arginine 1919 with tryptophan.
Molecular consequence: missense variant.
Genome position (GRCh38, 1-based): chr3:53,808,654, C>T. VCF-style: chr3-53808654-C-T. GRCh37 (hg19) VCF-style: chr3-53842681-C-T.
Other names: c.5815C>T, p.Arg1939Trp (NM_000720.4); c.5683C>T, p.Arg1895Trp (NM_001128839.3); short protein forms R1895W, R1919W, R1939W.
Identifiers: ClinVar variation 2421418 (VCV002421418.6), dbSNP rs571923567, ClinGen allele CA2455259.

ClinVar aggregate classification (germline): Uncertain significance (1 of 4 stars; one submission).

Allele frequency attached by ClinVar (database versions not stated): gnomAD 0.00001; ExAC 0.00002; TOPMed 0.00002; 1000 Genomes Project 30x 0.00016; 1000 Genomes Project 0.00020.
gnomAD v4.1: 31 of 1,608,080 alleles (0.0019%); highest among the groups gnomAD compares: East Asian, 0.011%; no homozygotes.

Submission:

Labcorp Genetics (formerly Invitae), Labcorp
Classification: Uncertain significance. Last evaluated: 2025-07-31. Review status: criteria provided, single submitter. Criteria: Invitae Variant Classification Sherloc (09022015). Collection method: clinical testing. Allele origin: germline.
Comment: This sequence change replaces arginine, which is basic and polar, with tryptophan, which is neutral and slightly polar, at codon 1939 of the CACNA1D protein (p.Arg1939Trp). This variant is present in population databases (rs571923567, gnomAD 0.003%). This variant has not been reported in the literature in individuals affected with CACNA1D-related conditions. ClinVar contains an entry for this variant (Variation ID: 2421418). An algorithm developed to predict the effect of missense changes on protein structure and function (PolyPhen-2) suggests that this variant is likely to be tolerated. In summary, the available evidence is currently insufficient to determine the role of this variant in disease. Therefore, it has been classified as a Variant of Uncertain Significance.